The following is an entry in ClinVar:

NM_000521.4(HEXB):c.1417+229T>C

Gene: HEXB (hexosaminidase subunit beta; plus strand). Cytogenetic location: 5q13.3.
Variant type: single nucleotide variant.
Coding change: c.1417+229T>C on transcript NM_000521.4 (MANE Select); 229 bases into the intron after coding-DNA position 1417, T replaced by C.
Molecular consequence: intron variant.
Genome position (GRCh38, 1-based): chr5:74,719,200, T>C. VCF-style: chr5-74719200-T-C. GRCh37 (hg19) VCF-style: chr5-74015025-T-C.
Other names: c.742+229T>C (NM_001292004.2).
Identifiers: ClinVar variation 670549 (VCV000670549.1), dbSNP rs17738111, ClinGen allele CA15384674.

ClinVar aggregate classification (germline): Benign (1 of 4 stars; one submission).

Allele frequency attached by ClinVar (database versions not stated): gnomAD 0.07030 and 0.07458; TOPMed 0.08199; 1000 Genomes Project 30x 0.10525; 1000 Genomes Project 0.10543.
gnomAD v4.1: 11,382 of 152,282 alleles (7.5%); highest among the groups gnomAD compares: East Asian, 16%; 618 homozygotes.

Submission:

GeneDx
Classification: Benign. Last evaluated: 2018-06-19. Review status: criteria provided, single submitter. Criteria: GeneDx Variant Classification (06012015). Collection method: clinical testing. Allele origin: germline. Affected: yes.
Comment: This variant is considered likely benign or benign based on one or more of the following criteria: it is a conservative change, it occurs at a poorly conserved position in the protein, it is predicted to be benign by multiple in silico algorithms, and/or has population frequency not consistent with disease.